The following is an entry in ClinVar:

ClinVar aggregate classification (germline): Uncertain significance (1 of 4 stars; one submission).

Conditions:
Nephronophthisis 9 (NPHP9). Identifiers: Orphanet 655, MedGen C3151188, MONDO:0013444, OMIM 613824.

Allele frequency attached by ClinVar (database versions not stated): gnomAD exomes 0.00001.

Submission:

Labcorp Genetics (formerly Invitae), Labcorp
Classification: Uncertain significance for Nephronophthisis 9. Last evaluated: 2024-07-08. Review status: criteria provided, single submitter. Criteria: Invitae Variant Classification Sherloc (09022015). Collection method: clinical testing. Allele origin: germline.
Comment: This sequence change replaces threonine, which is neutral and polar, with asparagine, which is neutral and polar, at codon 219 of the NEK8 protein (p.Thr219Asn). This variant is not present in population databases (gnomAD no frequency). This variant has not been reported in the literature in individuals affected with NEK8-related conditions. ClinVar contains an entry for this variant (Variation ID: 639821). An algorithm developed to predict the effect of missense changes on protein structure and function (PolyPhen-2) suggests that this variant is likely to be tolerated. In summary, the available evidence is currently insufficient to determine the role of this variant in disease. Therefore, it has been classified as a Variant of Uncertain Significance.

NM_178170.3(NEK8):c.656C>A (p.Thr219Asn)

Gene: NEK8 (NIMA related kinase 8; plus strand). Cytogenetic location: 17q11.2.
Variant type: single nucleotide variant.
Coding change: c.656C>A on transcript NM_178170.3 (MANE Select); coding-DNA position 656, C replaced by A.
Protein change: p.Thr219Asn; replaces threonine 219 with asparagine.
Molecular consequence: missense variant.
Genome position (GRCh38, 1-based): chr17:28,737,343, C>A. VCF-style: chr17-28737343-C-A. GRCh37 (hg19) VCF-style: chr17-27064361-C-A.
Other names: short protein forms T219N.
Identifiers: ClinVar variation 639821 (VCV000639821.3), dbSNP rs1597806441, ClinGen allele CA398343178.